The following is an entry in ClinVar:

NM_001042492.3(NF1):c.7406A>T (p.Glu2469Val)

Gene: NF1 (neurofibromin 1; plus strand). Cytogenetic location: 17q11.2.
Variant type: single nucleotide variant.
Coding change: c.7406A>T on transcript NM_001042492.3 (MANE Select); coding-DNA position 7406, A replaced by T.
Protein change: p.Glu2469Val; replaces glutamic acid 2469 with valine.
Molecular consequence: missense variant.
Genome position (GRCh38, 1-based): chr17:31,350,267, A>T. VCF-style: chr17-31350267-A-T. GRCh37 (hg19) VCF-style: chr17-29677285-A-T.
Other names: c.7343A>T, p.Glu2448Val (NM_000267.4); short protein forms E2469V, E2448V.
Identifiers: ClinVar variation 484153 (VCV000484153.11), dbSNP rs1281096294, ClinGen allele CA399017121.

ClinVar aggregate classification (germline): Uncertain significance. Review status: criteria provided, multiple submitters, no conflicts (2 of 4 stars). 2 submissions from 2 submitters: Uncertain significance (2). Last evaluated 2025-07-14.

Conditions:
Cardiovascular phenotype. Identifiers: MedGen CN230736.
Hereditary cancer-predisposing syndrome. Also called: Hereditary neoplastic syndrome; Neoplastic Syndromes, Hereditary; Tumor predisposition; Hereditary Cancer Syndrome. Identifiers: Orphanet 140162, MedGen C0027672, MeSH D009386, MONDO:0015356.
Neurofibromatosis, type 1 (NF1). Also called: VON RECKLINGHAUSEN DISEASE; Peripheral type neurofibromatosis; NEUROFIBROMATOSIS, TYPE I, SOMATIC; Neurofibromatosis, type I. Identifiers: Orphanet 636, MedGen C0027831, MONDO:0018975, OMIM 162200. Disease mechanism: loss of function.

Allele frequency attached by ClinVar (database versions not stated): TOPMed below 0.00001; gnomAD 0.00001.
gnomAD v4.1: 1 of 1,613,164 alleles (0.000062%); highest among the groups gnomAD compares: African/African-American, 0.0013%; no homozygotes.

Submissions (2):

Labcorp Genetics (formerly Invitae), Labcorp
Classification: Uncertain significance for Neurofibromatosis, type 1. Last evaluated: 2025-07-14. Review status: criteria provided, single submitter. Criteria: Invitae Variant Classification Sherloc (09022015). Collection method: clinical testing. Allele origin: germline.
Comment: This sequence change replaces glutamic acid, which is acidic and polar, with valine, which is neutral and non-polar, at codon 2448 of the NF1 protein (p.Glu2448Val). This variant is not present in population databases (gnomAD no frequency). This variant has not been reported in the literature in individuals affected with NF1-related conditions. ClinVar contains an entry for this variant (Variation ID: 484153). Invitae Evidence Modeling of protein sequence and biophysical properties (such as structural, functional, and spatial information, amino acid conservation, physicochemical variation, residue mobility, and thermodynamic stability) indicates that this missense variant is not expected to disrupt NF1 protein function with a negative predictive value of 95%. In summary, the available evidence is currently insufficient to determine the role of this variant in disease. Therefore, it has been classified as a Variant of Uncertain Significance.

Ambry Genetics
Classification: Uncertain significance for Cardiovascular phenotype; Hereditary cancer-predisposing syndrome. Last evaluated: 2025-03-25. Review status: criteria provided, single submitter. Criteria: Ambry Variant Classification Scheme 2023. Collection method: clinical testing. Allele origin: germline.
Comment: The p.E2448V variant (also known as c.7343A>T), located in coding exon 49 of the NF1 gene, results from an A to T substitution at nucleotide position 7343. The glutamic acid at codon 2448 is replaced by valine, an amino acid with dissimilar properties. This amino acid position is well conserved in available vertebrate species. In addition, this alteration is predicted to be tolerated by in silico analysis. Since supporting evidence is limited at this time, the clinical significance of this alteration remains unclear.